The following is an entry in ClinVar:

ClinVar aggregate classification (germline): Uncertain significance (1 of 4 stars; one submission).

Conditions:
ADNP-related multiple congenital anomalies - intellectual disability - autism spectrum disorder. Also called: Helsmoortel-Van der Aa Syndrome; ADNP-Related Helsmoortel-Van der Aa Syndrome. Identifiers: Orphanet 404448, MedGen C4014538, MONDO:0014379, OMIM 615873. Disease mechanism: loss of function.

Allele frequency attached by ClinVar (database versions not stated): gnomAD exomes below 0.00001.
gnomAD v4.1: 1 of 1,614,104 alleles (0.000062%); highest among the groups gnomAD compares: Non-Finnish European, 0.000085%; no homozygotes.

Submission:

Neuberg Centre For Genomic Medicine, NCGM
Classification: Uncertain significance for ADNP-related multiple congenital anomalies - intellectual disability - autism spectrum disorder. Last evaluated: 2023-02-14. Review status: criteria provided, single submitter. Criteria: ACMG Guidelines, 2015. Collection method: clinical testing. Allele origin: germline. Inheritance: Autosomal dominant inheritance. Affected: yes.
Comment: The missense c.514T>C(p.Tyr172His) variant in ADNP gene has not been reported previously as a pathogenic variant nor as a benign variant, to our knowledge. The p.Tyr172His variant is novel (not in any individuals) in gnomAD Exomes and 1000 Genomes. This variant has not been reported to the ClinVar database. The amino acid change p.Tyr172His in ADNP is predicted as conserved by GERP++ and PhyloP across 100 vertebrates. The amino acid Tyr at position 172 is changed to a His changing protein sequence and it might alter its composition and physico-chemical properties. For these reasons, this variant has been classified as Variant of Uncertain Significance (VUS).

NM_001282531.3(ADNP):c.514T>C (p.Tyr172His)

Gene: ADNP (activity dependent neuroprotector homeobox; minus strand). Cytogenetic location: 20q13.13.
Variant type: single nucleotide variant.
Coding change: c.514T>C on transcript NM_001282531.3 (MANE Select); coding-DNA position 514, T replaced by C.
Protein change: p.Tyr172His; replaces tyrosine 172 with histidine.
Molecular consequence: missense variant.
Genome position (GRCh38, 1-based): chr20:50,894,200, A>G on the plus strand (T>C on the coding strand, the complement: ADNP is on the minus strand). VCF-style: chr20-50894200-A-G. GRCh37 (hg19) VCF-style: chr20-49510737-A-G.
Other names: c.514T>C, p.Tyr172His (NM_001282532.2, NM_001347511.2, NM_015339.5 and 1 more transcripts); short protein forms Y172H.
Identifiers: ClinVar variation 2664894 (VCV002664894.1), dbSNP rs2515591464, ClinGen allele CA408977551.